The following is an entry in ClinVar:

NM_000520.6(HEXA):c.986+1G>A

Gene: HEXA (hexosaminidase subunit alpha; minus strand). Cytogenetic location: 15q23.
Variant type: single nucleotide variant.
Coding change: c.986+1G>A on transcript NM_000520.6 (MANE Select); the canonical splice donor site of the intron after coding-DNA position 986, G replaced by A.
Molecular consequence: splice donor variant.
Genome position (GRCh38, 1-based): chr15:72,349,078, C>T on the plus strand (G>A on the coding strand, the complement: HEXA is on the minus strand). VCF-style: chr15-72349078-C-T. GRCh37 (hg19) VCF-style: chr15-72641419-C-T.
Other names: c.1019+1G>A (NM_001318825.2); c.986+1G>A (NM_000520.5).
Identifiers: ClinVar variation 1068265 (VCV001068265.15), dbSNP rs2140322856, ClinGen allele CA393062097.

ClinVar aggregate classification (germline): Likely pathogenic. Review status: criteria provided, multiple submitters, no conflicts (2 of 4 stars). 3 submissions from 3 submitters: Likely pathogenic (3). Last evaluated 2025-12-22.

Conditions:
Tay-Sachs disease (TSD). Also called: HEXA DEFICIENCY; HEXA Disorders; GM2 gangliosidosis, type 1; Hexosaminidase alpha-subunit deficiency (variant B); Sphingolipidosis, Tay-Sachs; Hexosaminidase A Deficiency. Identifiers: Orphanet 845, MedGen C0039373, MONDO:0010100, OMIM 272800.

Submissions (3):

Natera, Inc.
Classification: Likely pathogenic for Tay-Sachs disease. Last evaluated: 2025-12-22. Review status: criteria provided, single submitter. Criteria: Natera Variant Classification Schema (03/2026). Collection method: clinical testing. Allele origin: germline.
Comment: The c.986+1G>A variant in HEXA is a canonical splice donor site variant predicted to affect pre-mRNA splicing, which may result in an abnormal transcript and altered protein product. This variant is expected to result in nonsense mediated decay, truncation, or a dysfunctional protein product. This variant is rare in the general population with a frequency below the threshold expected for the associated phenotype(s). Given the available evidence, this variant is classified as Likely Pathogenic.

Laboratory of Medical Genetics, National & Kapodistrian University of Athens
Classification: Likely pathogenic for Tay-Sachs disease. Last evaluated: 2024-02-01. Review status: criteria provided, single submitter. Criteria: ACMG Guidelines, 2015. Collection method: curation. Allele origin: germline. Affected: no.

Labcorp Genetics (formerly Invitae), Labcorp
Classification: Likely pathogenic for Tay-Sachs disease. Last evaluated: 2022-10-06. Review status: criteria provided, single submitter. Criteria: Invitae Variant Classification Sherloc (09022015). Collection method: clinical testing. Allele origin: germline.
Comment: This sequence change affects a donor splice site in intron 8 of the HEXA gene. It is expected to disrupt RNA splicing. Variants that disrupt the donor or acceptor splice site typically lead to a loss of protein function (PMID: 16199547), and loss-of-function variants in HEXA are known to be pathogenic (PMID: 1833974, 8490625). This variant is not present in population databases (gnomAD no frequency). This variant has not been reported in the literature in individuals affected with HEXA-related conditions. ClinVar contains an entry for this variant (Variation ID: 1068265). Algorithms developed to predict the effect of sequence changes on RNA splicing suggest that this variant may disrupt the consensus splice site. In summary, the currently available evidence indicates that the variant is pathogenic, but additional data are needed to prove that conclusively. Therefore, this variant has been classified as Likely Pathogenic.

Literature cited by the submitters: PubMed 16199547 (cited by Labcorp Genetics (formerly Invitae), Labcorp); PubMed 1833974 (cited by Labcorp Genetics (formerly Invitae), Labcorp); PubMed 8490625 (cited by Labcorp Genetics (formerly Invitae), Labcorp).